The following is an entry in ClinVar:

NM_006846.4(SPINK5):c.1586G>A (p.Cys529Tyr)

Gene: SPINK5 (serine peptidase inhibitor Kazal type 5; plus strand). Cytogenetic location: 5q32.
Variant type: single nucleotide variant.
Coding change: c.1586G>A on transcript NM_006846.4 (MANE Select); coding-DNA position 1586, G replaced by A.
Protein change: p.Cys529Tyr; replaces cysteine 529 with tyrosine.
Molecular consequence: missense variant.
Genome position (GRCh38, 1-based): chr5:148,107,143, G>A. VCF-style: chr5-148107143-G-A. GRCh37 (hg19) VCF-style: chr5-147486706-G-A.
Other names: c.1586G>A, p.Cys529Tyr (NM_001127698.2, NM_001127699.2); short protein forms C529Y.
Identifiers: ClinVar variation 1501958 (VCV001501958.6), dbSNP rs764286291, ClinGen allele CA3495662.
Genomic context (GRCh38, chr5:148,107,143, plus strand): 5'-TATGCACCAGGGAGCATAATCCTGTCCGTGGCCCAGATGGCAAAATGCATGGAAACAAGT[G>A]TGCCATGTGTGCCAGTGTGTTGTGAGTGTCCACCCCATCTCTCCCACTGAATTTCTTCAT-3'
Protein context (NP_006837.2, residues 519-539): GPDGKMHGNK[Cys529Tyr]AMCASVFKLE

ClinVar aggregate classification (germline): Uncertain significance (1 of 4 stars; one submission).

Conditions:
Ichthyosis linearis circumflexa. Identifiers: MedGen C0265962, MONDO:0043106, HP:0025810.

Allele frequency attached by ClinVar (database versions not stated): ExAC 0.00004; gnomAD exomes below 0.00001 and 0.00002; TOPMed below 0.00001.
gnomAD v4.1: 6 of 1,612,372 alleles (0.00037%); highest among the groups gnomAD compares: Admixed American, 0.005%; no homozygotes.

Submission:

Labcorp Genetics (formerly Invitae), Labcorp
Classification: Uncertain significance for Ichthyosis linearis circumflexa. Last evaluated: 2026-02-01. Review status: criteria provided, single submitter. Criteria: Invitae Variant Classification Sherloc (09022015). Collection method: clinical testing. Allele origin: germline.
Comment: This sequence change replaces cysteine, which is neutral and slightly polar, with tyrosine, which is neutral and polar, at codon 529 of the SPINK5 protein (p.Cys529Tyr). This variant is present in population databases (rs764286291, gnomAD 0.01%). This variant has not been reported in the literature in individuals affected with SPINK5-related conditions. ClinVar contains an entry for this variant (Variation ID: 1501958). Invitae Evidence Modeling of protein sequence and biophysical properties (such as structural, functional, and spatial information, amino acid conservation, physicochemical variation, residue mobility, and thermodynamic stability) has been performed for this missense variant. However, the output from this modeling did not meet the statistical confidence thresholds required to predict the impact of this variant on SPINK5 protein function. Algorithms developed to predict the effect of sequence changes on RNA splicing suggest that this variant may create or strengthen a splice site. In summary, the available evidence is currently insufficient to determine the role of this variant in disease. Therefore, it has been classified as a Variant of Uncertain Significance.